The following is an entry in ClinVar:

NM_000417.3(IL2RA):c.417T>G (p.Ile139Met)

Gene: IL2RA (interleukin 2 receptor subunit alpha; minus strand). Cytogenetic location: 10p15.1.
Variant type: single nucleotide variant.
Coding change: c.417T>G on transcript NM_000417.3 (MANE Select); coding-DNA position 417, T replaced by G.
Protein change: p.Ile139Met; replaces isoleucine 139 with methionine.
Molecular consequence: missense variant. On other transcripts: intron variant (2).
Genome position (GRCh38, 1-based): chr10:6,021,644, A>C on the plus strand (T>G on the coding strand, the complement: IL2RA is on the minus strand). VCF-style: chr10-6021644-A-C. GRCh37 (hg19) VCF-style: chr10-6063607-A-C.
Other names: c.368-2145T>G (NM_001308243.2); c.368-1703T>G (NM_001308242.2); short protein forms I139M.
Identifiers: ClinVar variation 641863 (VCV000641863.5), dbSNP rs751445826, ClinGen allele CA5397446.
Genomic context (GRCh38, chr10:6,021,644, plus strand): 5'-TAGAGCCCTGTATCCCTGGACGCACTGATAATAAACCATCTGCCCCACCACGAAATGATA[A>C]ATTCTCTCTGTGGCTTCATTTTCCCATGGTGGAGGTTCCCTGCAGTGACCTGGAAGATGG-3'
Protein context (NP_000408.1, residues 129-149): PPWENEATER[Ile139Met]YHFVVGQMVY

ClinVar aggregate classification (germline): Uncertain significance. Review status: criteria provided, multiple submitters, no conflicts (2 of 4 stars). 2 submissions from 2 submitters: Uncertain significance (2). Last evaluated 2023-10-03.

Conditions:
Immunodeficiency due to CD25 deficiency. Also called: IMMUNODEFICIENCY 41 WITH LYMPHOPROLIFERATION AND AUTOIMMUNITY; CD25 DEFICIENCY; IL2RA DEFICIENCY. Identifiers: Orphanet 169100, MedGen C1853392, MONDO:0011664, OMIM 606367.

Allele frequency attached by ClinVar (database versions not stated): TOPMed 0.00004; ExAC 0.00005; gnomAD 0.00005 and 0.00006; gnomAD exomes 0.00007.
gnomAD v4.1: 82 of 1,613,918 alleles (0.0051%); highest among the groups gnomAD compares: Non-Finnish European, 0.0053%; no homozygotes.

Submissions (2):

Labcorp Genetics (formerly Invitae), Labcorp
Classification: Uncertain significance for Immunodeficiency due to CD25 deficiency. Last evaluated: 2023-10-03. Review status: criteria provided, single submitter. Criteria: Invitae Variant Classification Sherloc (09022015). Collection method: clinical testing. Allele origin: germline.
Comment: This sequence change replaces isoleucine, which is neutral and non-polar, with methionine, which is neutral and non-polar, at codon 139 of the IL2RA protein (p.Ile139Met). This variant is present in population databases (rs751445826, gnomAD 0.02%). This variant has not been reported in the literature in individuals affected with IL2RA-related conditions. ClinVar contains an entry for this variant (Variation ID: 641863). Advanced modeling of protein sequence and biophysical properties (such as structural, functional, and spatial information, amino acid conservation, physicochemical variation, residue mobility, and thermodynamic stability) performed at Invitae indicates that this missense variant is not expected to disrupt IL2RA protein function. In summary, the available evidence is currently insufficient to determine the role of this variant in disease. Therefore, it has been classified as a Variant of Uncertain Significance.

Ambry Genetics
Classification: Uncertain significance. Last evaluated: 2022-12-05. Review status: criteria provided, single submitter. Criteria: Ambry Variant Classification Scheme 2023. Collection method: clinical testing. Allele origin: germline.